The following is an entry in ClinVar:

NM_001042492.3(NF1):c.7320del (p.Ala2441fs)

Gene: NF1 (neurofibromin 1; plus strand). Cytogenetic location: 17q11.2.
Variant type: Deletion.
Coding change: c.7320del on transcript NM_001042492.3 (MANE Select); coding-DNA position 7320, one base deleted (A; older notation c.7320delA).
Protein change: p.Ala2441fs; shifts the reading frame from alanine 2441.
Molecular consequence: frameshift variant.
Genome position (GRCh38, 1-based): chr17:31,349,250, A deleted. VCF-style (leftmost placement, unchanged base first): chr17-31349249-CA-C. GRCh37 (hg19) VCF-style: chr17-29676267-CA-C.
Other names: c.7257delA, p.Ala2420Leufs (NM_000267.4); c.7257delA (NM_000267.3); short protein forms A2420fs, A2441fs.
Identifiers: ClinVar variation 404495 (VCV000404495.5), dbSNP rs1060500300, ClinGen allele CA16615293.

ClinVar aggregate classification (germline): Pathogenic (1 of 4 stars; one submission).

Conditions:
Neurofibromatosis, type 1 (NF1). Also called: Neurofibromatosis, type I; NEUROFIBROMATOSIS, TYPE I, SOMATIC; Peripheral type neurofibromatosis; VON RECKLINGHAUSEN DISEASE. Identifiers: Orphanet 636, MedGen C0027831, MONDO:0018975, OMIM 162200. Disease mechanism: loss of function.

Submission:

Labcorp Genetics (formerly Invitae), Labcorp
Classification: Pathogenic for Neurofibromatosis, type 1. Last evaluated: 2021-01-26. Review status: criteria provided, single submitter. Criteria: Invitae Variant Classification Sherloc (09022015). Collection method: clinical testing. Allele origin: germline.
Comment: This sequence change deletes 1 nucleotide from exon 48 of the NF1 mRNA (c.7257delA), causing a frameshift at codon 2420. This creates a premature translational stop signal (p.Ala2420Leufs*15) and is expected to result in an absent or disrupted protein product. While this particular variant has not been reported in the literature, loss-of-function variants in NF1 are known to be pathogenic (PMID: 10712197, 23913538). For these reasons, this variant has been classified as Pathogenic.

Literature cited by the submitters: PubMed 10712197; PubMed 23913538.